The following is an entry in ClinVar:

NM_005585.5(SMAD6):c.953-9G>A

Gene: SMAD6 (SMAD family member 6; plus strand). Cytogenetic location: 15q22.31.
Variant type: single nucleotide variant.
Coding change: c.953-9G>A on transcript NM_005585.5 (MANE Select); 9 bases into the intron before coding-DNA position 953, G replaced by A.
Molecular consequence: intron variant.
Genome position (GRCh38, 1-based): chr15:66,780,988, G>A. VCF-style: chr15-66780988-G-A. GRCh37 (hg19) VCF-style: chr15-67073326-G-A.
Identifiers: ClinVar variation 3048660 (VCV003048660.2), dbSNP rs1455249230, ClinGen allele CA618961859.

ClinVar aggregate classification (germline): Likely benign (0 of 4 stars; one submission).

Conditions:
SMAD6-related disease. Also called: SMAD6-related condition; SMAD6-related disorder. Identifiers: MedGen CN381596, MONDO:0700324.

Allele frequency attached by ClinVar (database versions not stated): TOPMed below 0.00001; gnomAD exomes 0.00001; gnomAD 0.00002.
gnomAD v4.1: 17 of 1,554,198 alleles (0.0011%); highest among the groups gnomAD compares: South Asian, 0.02%; no homozygotes.

Submission:

PreventionGenetics, part of Exact Sciences
Classification: Likely benign for SMAD6-related condition. Last evaluated: 2024-01-19. Review status: no assertion criteria provided. Collection method: clinical testing. Allele origin: germline.
Comment: This variant is classified as likely benign based on ACMG/AMP sequence variant interpretation guidelines (Richards et al. 2015 PMID: 25741868, with internal and published modifications).